The following is an entry in ClinVar:

ClinVar aggregate classification (germline): Uncertain significance (1 of 4 stars; one submission).

Conditions:
Hereditary cancer-predisposing syndrome. Also called: Tumor predisposition; Hereditary neoplastic syndrome; Neoplastic Syndromes, Hereditary; Hereditary Cancer Syndrome. Identifiers: Orphanet 140162, MedGen C0027672, MeSH D009386, MONDO:0015356.

Submission:

Ambry Genetics
Classification: Uncertain significance for Hereditary cancer-predisposing syndrome. Last evaluated: 2021-10-15. Review status: criteria provided, single submitter. Criteria: Ambry Variant Classification Scheme 2023. Collection method: clinical testing. Allele origin: germline.
Comment: The p.P388L variant (also known as c.1163C>T), located in coding exon 10 of the CHEK2 gene, results from a C to T substitution at nucleotide position 1163. The proline at codon 388 is replaced by leucine, an amino acid with similar properties. This amino acid position is highly conserved in available vertebrate species. In addition, this alteration is predicted to be deleterious by in silico analysis. Since supporting evidence is limited at this time, the clinical significance of this alteration remains unclear.

NM_007194.4(CHEK2):c.1163C>T (p.Pro388Leu)

Gene: CHEK2 (checkpoint kinase 2; minus strand). Cytogenetic location: 22q12.1.
Variant type: single nucleotide variant.
Coding change: c.1163C>T on transcript NM_007194.4 (MANE Select); coding-DNA position 1163, C replaced by T.
Protein change: p.Pro388Leu; replaces proline 388 with leucine.
Molecular consequence: missense variant.
Genome position (GRCh38, 1-based): chr22:28,695,806, G>A on the plus strand (C>T on the coding strand, the complement: CHEK2 is on the minus strand). VCF-style: chr22-28695806-G-A. GRCh37 (hg19) VCF-style: chr22-29091794-G-A.
Other names: c.1292C>T, p.Pro431Leu (NM_001005735.3); c.500C>T, p.Pro167Leu (NM_001257387.3); c.962C>T, p.Pro321Leu (NM_001349956.3); c.1076C>T, p.Pro359Leu (NM_145862.3); short protein forms P359L, P431L, P321L, P167L, P388L.
Identifiers: ClinVar variation 818460 (VCV000818460.4), dbSNP rs1601722891, ClinGen allele CA411096848.